The following is an entry in ClinVar:

NM_002074.5(GNB1):c.1021T>A (p.Ter341Lys)

Gene: GNB1 (G protein subunit beta 1; minus strand). Cytogenetic location: 1p36.33.
Variant type: single nucleotide variant.
Coding change: c.1021T>A on transcript NM_002074.5 (MANE Select); coding-DNA position 1021, T replaced by A.
Protein change: p.Ter341Lys.
Molecular consequence: stop lost.
Genome position (GRCh38, 1-based): chr1:1,787,333, A>T on the plus strand (T>A on the coding strand, the complement: GNB1 is on the minus strand). VCF-style: chr1-1787333-A-T. GRCh37 (hg19) VCF-style: chr1-1718772-A-T.
Other names: c.721T>A, p.Ter241Lys (NM_001282538.2); c.1021T>A, p.Ter341Lys (NM_001282539.2).
Identifiers: ClinVar variation 3897526 (VCV003897526.1).

ClinVar aggregate classification (germline): Uncertain significance (1 of 4 stars; one submission).

Submission:

GeneDx
Classification: Uncertain significance. Last evaluated: 2024-11-01. Review status: criteria provided, single submitter. Criteria: GeneDx Variant Classification Process June 2021. Collection method: clinical testing. Allele origin: germline. Affected: yes.
Comment: Not observed at significant frequency in large population cohorts (gnomAD); Stop codon loss and change to a Lysine codon, leading to protein extension and the addition of 3 amino acids at the C-terminus; Has not been previously published as pathogenic or benign to our knowledge